The following is an entry in ClinVar:

ClinVar aggregate classification (germline): Benign/Likely benign. Review status: criteria provided, multiple submitters, no conflicts (2 of 4 stars). 6 submissions from 6 submitters: Benign (4); Likely benign (2). Last evaluated 2026-02-04.

Conditions:
MHC class II deficiency. Also called: Bare lymphocyte syndrome 2; BLS, TYPE II. Identifiers: Orphanet 572, MedGen C5447452, MONDO:0008855.

Allele frequency attached by ClinVar (database versions not stated): 1000 Genomes Project 30x 0.04357; gnomAD 0.04540 and 0.04400; ESP Exome Variant Server 0.04029; 1000 Genomes Project 0.04393; TOPMed 0.04889; ExAC 0.05060; gnomAD exomes 0.05301.
gnomAD v4.1: 88,883 of 1,614,068 alleles (5.5%); highest among the groups gnomAD compares: Admixed American, 9.7%; 2,728 homozygotes.

Submissions (6):

Labcorp Genetics (formerly Invitae), Labcorp
Classification: Benign for MHC class II deficiency. Last evaluated: 2026-02-04. Review status: criteria provided, single submitter. Criteria: Invitae Variant Classification Sherloc (09022015). Collection method: clinical testing. Allele origin: germline.

Unidad de Genómica Garrahan, Hospital de Pediatría Garrahan
Classification: Benign. Last evaluated: 2024-01-24. Review status: criteria provided, single submitter. Criteria: ACMG Guidelines, 2015. Collection method: clinical testing. Allele origin: germline. Affected: no. Observed: 23 variant alleles.
Comment: This variant is classified as Benign based on local population frequency. This variant was detected in 24% of patients studied by a panel of primary immunodeficiencies. Number of patients: 23. Only high quality variants are reported.

Women's Health and Genetics/Laboratory Corporation of America, LabCorp
Classification: Likely benign. Last evaluated: 2021-12-10. Review status: criteria provided, single submitter. Criteria: LabCorp Variant Classification Summary - May 2015. Collection method: clinical testing. Allele origin: germline.

Mayo Clinic Laboratories, Mayo Clinic
Classification: Benign. Last evaluated: 2018-04-19. Review status: criteria provided, single submitter. Criteria: ACMG Guidelines, 2015. Collection method: clinical testing. Allele origin: germline. Observed: 16 variant alleles.

Laboratory for Molecular Medicine, Mass General Brigham Personalized Medicine
Classification: Benign. Last evaluated: 2016-03-28. Review status: criteria provided, single submitter. Criteria: LMM Criteria. Collection method: clinical testing. Allele origin: germline.
Comment: Variant identified in a genome or exome case(s) and assessed due to predicted null impact of the variant or pathogenic assertions in the literature or databases. Disclaimer: This variant has not undergone full assessment. The following are preliminary notes: Frequency

Breakthrough Genomics
Classification: Likely benign. Review status: criteria provided, single submitter. Criteria: ACMG Guidelines, 2015. Collection method: not provided. Allele origin: germline. Inheritance: Autosomal recessive inheritance. Affected: yes.

NM_003721.4(RFXANK):c.144G>C (p.Glu48Asp)

Gene: RFXANK (regulatory factor X associated ankyrin containing protein; plus strand). Cytogenetic location: 19p13.11.
Variant type: single nucleotide variant.
Coding change: c.144G>C on transcript NM_003721.4 (MANE Select); coding-DNA position 144, G replaced by C.
Protein change: p.Glu48Asp; replaces glutamic acid 48 with aspartic acid.
Molecular consequence: missense variant.
Genome position (GRCh38, 1-based): chr19:19,194,090, G>C. VCF-style: chr19-19194090-G-C. GRCh37 (hg19) VCF-style: chr19-19304899-G-C.
Other names: c.144G>C, p.Glu48Asp (NM_001278727.2, NM_001278728.2, NM_001370233.1 and 6 more transcripts); short protein forms E48D.
Identifiers: ClinVar variation 328640 (VCV000328640.20), dbSNP rs34282046, ClinGen allele CA9322602.
Genomic context (GRCh38, chr19:19,194,090, plus strand): 5'-AGAGGAGGCTGCAGATGGCTCAGACACTGTGGTCCTCAGTCTCTTTCCCTGCACCCCTGA[G>C]CCTGTGAATCCTGAACCGGATGCCAGTGTTTCCTCTCCACAGGGTAGGATACCTCCTCTG-3'
Protein context (NP_003712.1, residues 38-58): VVLSLFPCTP[Glu48Asp]PVNPEPDASV